The following is an entry in ClinVar:

ClinVar aggregate classification (germline): Likely pathogenic (1 of 4 stars; one submission).

Conditions:
Vascular malformation. Also called: Vascular malformations. Identifiers: MedGen C0158570, MONDO:0024291.

Submission:

Clinical Genomics Laboratory, Washington University in St. Louis
Classification: Likely pathogenic for Vascular malformation. Last evaluated: 2025-12-28. Review status: criteria provided, single submitter. Criteria: Leon-Quintero et al. (Clin Genet. 2025). Collection method: clinical testing. Allele origin: somatic. Affected: yes.
Comment: An HRAS c.188_217dup (p.Met72_Arg73insGlnTyrSerAlaMetArgAspGlnTyrMet) variant was identified at an allelic fraction consistent with somatic origin. This variant is predicted to cause a change in the length of the protein due to an insertion of 30 nucleotides in a non-repeat region. This exact variant, to our knowledge, has not been reported in the medical literature but many similar inframe indels in this region in the RAS genes have been reported in individuals with vascular malformations (Claire Hou YC et al., PMID: 36571464; Schmidt VF et al., PMID: 38563363; Hong T et al., PMID: 30544177; Konczyk DJ et al., PMID: 31637524). It is absent from the general population (gnomAD v4.1.0), indicating it is not a common variant and resides within a region, the switch II domain, of HRAS that is defined as a region critical for binding regulator and effector proteins (Vetter IR et al., PMID: 11701921). Functional studies performed on insertion/deletion variants in the HRAS switch II domain have demonstrated that these variants lead to increased RAS signaling (Eijkelenboom A et al., PMID: 31160609). Based on available information and an internally developed protocol informed by the ACMG/AMP guidelines for variant interpretation and gene-specific practices from the ClinGen Criteria Specification Registry (Leon-Quintero FZ et al., PMID: 39434542), the HRAS c.188_217dup (p.Met72_Arg73insGlnTyrSerAlaMetArgAspGlnTyrMet) variant is classified as likely pathogenic.

NM_005343.4(HRAS):c.188_217dup (p.Met72_Arg73insGlnTyrSerAlaMetArgAspGlnTyrMet)

Genes: LRRC56 (leucine rich repeat containing 56; plus strand), HRAS (HRas proto-oncogene, GTPase; minus strand). Cytogenetic location: 11p15.5.
Variant type: Duplication.
Coding change: c.188_217dup on transcript NM_005343.4 (MANE Select); coding-DNA positions 188 to 217, 30 bases duplicated (AGTACAGCGCCATGCGGGACCAGTACATGC).
Protein change: p.Met72_Arg73insGlnTyrSerAlaMetArgAspGlnTyrMet.
Molecular consequence: inframe insertion. On other transcripts: 5 prime UTR variant (1), intron variant (2).
Genome position (GRCh38, 1-based): chr11:533,839-533,868, GCATGTACTGGTCCCGCATGGCGCTGTACT duplicated on the plus strand (AGTACAGCGCCATGCGGGACCAGTACATGC on the coding strand, the reverse complement: HRAS is on the minus strand). VCF-style (leftmost placement, unchanged base first): chr11-533838-C-CGCATGTACTGGTCCCGCATGGCGCTGTACT. GRCh37 (hg19) VCF-style: chr11-533838-C-CGCATGTACTGGTCCCGCATGGCGCTGTACT.
Other names: c.188_217dup, p.Met72_Arg73insGlnTyrSerAlaMetArgAspGlnTyrMet (NM_001130442.3, NM_176795.5); c.-132_-103dup (NM_001318054.2); c.-162+5502_-162+5531dup (NM_001441284.1, NM_001441286.1).
Identifiers: ClinVar variation 4974555 (VCV004974555.1).
Genomic context (GRCh38, chr11:533,838, plus strand): 5'-ATGTCCTCAAAAGACTTGGTGTTGTTGATGGCAAACACACACAGGAAGCCCTCCCCGGTG[C>CGCATGTACTGGTCCCGCATGGCGCTGTACT]GCATGTACTGGTCCCGCATGGCGCTGTACTCCTCCTGGCCGGCGGTATCCAGGATGTCCA-3'